The following is an entry in ClinVar:

ClinVar aggregate classification (germline): Uncertain significance. Review status: criteria provided, multiple submitters, no conflicts (2 of 4 stars). 3 submissions from 3 submitters: Uncertain significance (3). Last evaluated 2023-12-19.

Conditions:
Inborn genetic diseases. Identifiers: MedGen C0950123, MeSH D030342.

Allele frequency attached by ClinVar (database versions not stated): gnomAD 0.00001; TOPMed 0.00002; ExAC 0.00005; gnomAD exomes 0.00005.
gnomAD v4.1: 83 of 1,612,952 alleles (0.0051%); highest among the groups gnomAD compares: Non-Finnish European, 0.0064%; no homozygotes.

Submissions (3):

Blueprint Genetics
Classification: Uncertain significance. Last evaluated: 2023-12-19. Review status: criteria provided, single submitter. Criteria: ACMG Guidelines, 2015. Collection method: clinical testing. Allele origin: germline.

Revvity Omics, Revvity
Classification: Uncertain significance. Last evaluated: 2022-05-24. Review status: criteria provided, single submitter. Criteria: ACMG Guidelines, 2015. Collection method: clinical testing. Allele origin: germline.

Ambry Genetics
Classification: Uncertain significance for Inborn genetic diseases. Last evaluated: 2021-03-24. Review status: criteria provided, single submitter. Criteria: Ambry Variant Classification Scheme 2023. Collection method: clinical testing. Allele origin: germline.
Comment: The c.4414G>A (p.D1472N) alteration is located in exon 25 (coding exon 25) of the CCDC88C gene. This alteration results from a G to A substitution at nucleotide position 4414, causing the aspartic acid (D) at amino acid position 1472 to be replaced by an asparagine (N). The p.D1472N alteration is predicted to be tolerated by in silico analysis. Based on insufficient or conflicting evidence, the clinical significance of this alteration remains unclear.

NM_001080414.4(CCDC88C):c.4414G>A (p.Asp1472Asn)

Gene: CCDC88C (coiled-coil and HOOK domain protein 88C; minus strand). Cytogenetic location: 14q32.11.
Variant type: single nucleotide variant.
Coding change: c.4414G>A on transcript NM_001080414.4 (MANE Select); coding-DNA position 4414, G replaced by A.
Protein change: p.Asp1472Asn; replaces aspartic acid 1472 with asparagine.
Molecular consequence: missense variant.
Genome position (GRCh38, 1-based): chr14:91,289,132, C>T on the plus strand (G>A on the coding strand, the complement: CCDC88C is on the minus strand). VCF-style: chr14-91289132-C-T. GRCh37 (hg19) VCF-style: chr14-91755476-C-T.
Other names: short protein forms D1472N.
Identifiers: ClinVar variation 2361764 (VCV002361764.6), dbSNP rs758183068, ClinGen allele CA7309017.